The following is an entry in ClinVar:

ClinVar aggregate classification (germline): other (0 of 4 stars; one submission).

Conditions:
Familial colorectal cancer. Identifiers: MedGen CN280943, MONDO:0023113. Disease mechanism: loss of function.

Submission:

Systems Biology Platform Zhejiang California International NanoSystems Institute
Classification: other for Familial colorectal cancer. Review status: no assertion criteria provided. Collection method: not provided. Allele origin: unknown.
ClinVar note: Converted during submission from cancer to other.

NM_000038.6(APC):c.835-4348T>G

Gene: APC (APC regulator of WNT signaling pathway; plus strand). Cytogenetic location: 5q22.2.
Variant type: single nucleotide variant.
Coding change: c.835-4348T>G on transcript NM_000038.6 (MANE Select); 4348 bases into the intron before coding-DNA position 835, T replaced by G.
Molecular consequence: intron variant.
Genome position (GRCh38, 1-based): chr5:112,811,147, T>G. VCF-style: chr5-112811147-T-G. GRCh37 (hg19) VCF-style: chr5-112146844-T-G.
Other names: c.835-4348T>G (NM_001354895.2, NM_001127510.3, NM_001354896.2 and 1 more transcripts); c.865-4348T>G (NM_001354897.2, NM_001354902.2); c.781-4348T>G (NM_001127511.3); c.760-4348T>G (NM_001354898.2, NM_001354904.2); c.-16+836T>G (NM_001354906.2); c.751-4348T>G (NM_001354899.2); c.658-4348T>G (NM_001354900.2, NM_001354901.2, NM_001354905.2).
Identifiers: ClinVar variation 82544 (VCV000082544.2), dbSNP rs74748819, ClinGen allele CA015205.